The following is an entry in ClinVar:

NM_004364.5(CEBPA):c.698C>A (p.Pro233His)

Gene: CEBPA (CCAAT enhancer binding protein alpha; minus strand). Cytogenetic location: 19q13.11.
Variant type: single nucleotide variant.
Coding change: c.698C>A on transcript NM_004364.5 (MANE Select); coding-DNA position 698, C replaced by A.
Protein change: p.Pro233His; replaces proline 233 with histidine.
Molecular consequence: missense variant.
Genome position (GRCh38, 1-based): chr19:33,301,717, G>T on the plus strand (C>A on the coding strand, the complement: CEBPA is on the minus strand). VCF-style: chr19-33301717-G-T. GRCh37 (hg19) VCF-style: chr19-33792623-G-T.
Other names: c.341C>A, p.Pro114His (NM_001285829.2); c.803C>A, p.Pro268His (NM_001287424.2); c.656C>A, p.Pro219His (NM_001287435.2); short protein forms P114H, P219H, P233H, P268H.
Identifiers: ClinVar variation 1056091 (VCV001056091.9), dbSNP rs1352573347, ClinGen allele CA405274395.
Genomic context (GRCh38, chr19:33,301,717, plus strand): 5'-AGCGCGCTGCCAGGGCCCGGCAGGCCGGCGGCACCGAGCGCGGGCGCGGGGTGCGGGCTG[G>T]GCACGGGCGTGGGCGGCGGCGTGGGGTGACCGGGCTGCAGGTGCATGGTGGTCTGGCCGC-3'
Protein context (NP_004355.2, residues 223-243): GHPTPPPTPV[Pro233His]SPHPAPALGA

ClinVar aggregate classification (germline): Uncertain significance (1 of 4 stars; one submission).

Conditions:
Acute myeloid leukemia (AML). Also called: Leukemia, acute myeloid, somatic; Leukemia, acute myelogenous, somatic; Acute myeloid leukemia, adult; AML adult; Acute non-lymphocytic leukemia; Acute granulocytic leukemia. Identifiers: Orphanet 519, MedGen C0023467, MeSH D015470, MONDO:0018874, OMIM 601626, HP:0004808. Disease mechanism: Constitutively activated FLT3.

Submission:

Labcorp Genetics (formerly Invitae), Labcorp
Classification: Uncertain significance for Acute myeloid leukemia. Last evaluated: 2021-01-26. Review status: criteria provided, single submitter. Criteria: Invitae Variant Classification Sherloc (09022015). Collection method: clinical testing. Allele origin: germline.
Comment: The frequency data for this variant in the population databases is considered unreliable, as metrics indicate insufficient coverage at this position in the ExAC database. This variant has not been reported in the literature in individuals with CEBPA-related conditions. Algorithms developed to predict the effect of missense changes on protein structure and function are either unavailable or do not agree on the potential impact of this missense change (SIFT: "Tolerated"; PolyPhen-2: "Probably Damaging"; Align-GVGD: "Class C0"). In summary, the available evidence is currently insufficient to determine the role of this variant in disease. Therefore, it has been classified as a Variant of Uncertain Significance. This sequence change replaces proline with histidine at codon 233 of the CEBPA protein (p.Pro233His). The proline residue is highly conserved and there is a moderate physicochemical difference between proline and histidine.